The following is an entry in ClinVar:

ClinVar aggregate classification (germline): Likely benign (1 of 4 stars; one submission).

Submission:

CeGaT Center for Human Genetics Tuebingen
Classification: Likely benign. Last evaluated: 2026-04-01. Review status: criteria provided, single submitter. Criteria: CeGaT Center For Human Genetics Tuebingen Variant Classification Criteria Version 2. Collection method: clinical testing. Allele origin: germline. Affected: yes. Observed: 1 variant allele.
Comment: HS3ST6: BS2

NM_001009606.4(HS3ST6):c.745G>A (p.Gly249Arg)

Gene: HS3ST6 (heparan sulfate-glucosamine 3-sulfotransferase 6; minus strand). Cytogenetic location: 16p13.3.
Variant type: single nucleotide variant.
Coding change: c.745G>A on transcript NM_001009606.4 (MANE Select); coding-DNA position 745, G replaced by A.
Protein change: p.Gly249Arg; replaces glycine 249 with arginine.
Molecular consequence: missense variant.
Genome position (GRCh38, 1-based): chr16:1,911,874, C>T on the plus strand (G>A on the coding strand, the complement: HS3ST6 is on the minus strand). VCF-style: chr16-1911874-C-T. GRCh37 (hg19) VCF-style: chr16-1961875-C-T.
Other names: short protein forms G249R.
Identifiers: ClinVar variation 4872519 (VCV004872519.2).
Genomic context (GRCh38, chr16:1,911,874, plus strand): 5'-GGCCCAGGAAGTCCTGCACGCGGCCGACCTCTCCGGCCGGGTCGCTGACCAGACGCTCCC[C>T]GCTGACGAACAGGAAGTGGGACAGGGGGAAGTAGCGCAGCCAGTGGTCCAGGTGCTGGGC-3'
Protein context (NP_001009606.3, residues 239-259): FPLSHFLFVS[Gly249Arg]ERLVSDPAGE